The following is an entry in ClinVar:

ClinVar aggregate classification (germline): Uncertain significance (1 of 4 stars; one submission).

gnomAD v4.1: 1 of 1,612,574 alleles (0.000062%); highest among the groups gnomAD compares: Non-Finnish European, 0.000085%; no homozygotes.

Submission:

GeneDx
Classification: Uncertain significance. Last evaluated: 2026-03-11. Review status: criteria provided, single submitter. Criteria: GeneDx Variant Classification Process June 2021. Collection method: clinical testing. Allele origin: germline.
Comment: Not observed at significant frequency in large population cohorts (gnomAD); In silico analysis supports that this missense variant has a deleterious effect on protein structure/function; Has not been previously published as pathogenic or benign to our knowledge

NM_000612.6(IGF2):c.278A>G (p.Asp93Gly)

Genes: IGF2 (insulin like growth factor 2; minus strand), INS-IGF2 (INS-IGF2 readthrough; minus strand). Cytogenetic location: 11p15.5.
Variant type: single nucleotide variant.
Coding change: c.278A>G on transcript NM_000612.6 (MANE Select); coding-DNA position 278, A replaced by G.
Protein change: p.Asp93Gly; replaces aspartic acid 93 with glycine.
Molecular consequence: missense variant. On other transcripts: non-coding transcript variant (1).
Genome position (GRCh38, 1-based): chr11:2,133,545, T>C on the plus strand (A>G on the coding strand, the complement: IGF2 is on the minus strand). VCF-style: chr11-2133545-T-C. GRCh37 (hg19) VCF-style: chr11-2154775-T-C.
Other names: c.278A>G, p.Asp93Gly (NM_001007139.6, NM_001291861.3, NM_001291862.3); c.446A>G, p.Asp149Gly (NM_001127598.3); short protein forms D149G, D93G.
Identifiers: ClinVar variation 5008044 (VCV005008044.1).